The following is an entry in ClinVar:

NM_001378615.1(CC2D2A):c.4254T>A (p.Tyr1418Ter)

Genes: FBXL5 (F-box and leucine rich repeat protein 5; minus strand), CC2D2A (coiled-coil and C2 domain containing 2A; plus strand). Cytogenetic location: 4p15.32.
Variant type: single nucleotide variant.
Coding change: c.4254T>A on transcript NM_001378615.1 (MANE Select); coding-DNA position 4254, T replaced by A.
Protein change: p.Tyr1418Ter; replaces tyrosine 1418 with a stop codon.
Molecular consequence: nonsense.
Genome position (GRCh38, 1-based): chr4:15,589,619, T>A. VCF-style: chr4-15589619-T-A. GRCh37 (hg19) VCF-style: chr4-15591242-T-A.
Other names: c.4254T>A, p.Tyr1418Ter (NM_001080522.2); c.4107T>A, p.Tyr1369Ter (NM_001378617.1); short protein forms Y1418*, Y1369*.
Identifiers: ClinVar variation 2942180 (VCV002942180.3), dbSNP rs1560196405, ClinGen allele CA356429787.

ClinVar aggregate classification (germline): Pathogenic (1 of 4 stars; one submission).

Conditions:
Joubert syndrome. Also called: JOUBERT-BOLTSHAUSER SYNDROME; Familial aplasia of the vermis. Identifiers: Orphanet 475, MedGen C5979921, MONDO:0018772.
Meckel-Gruber syndrome. Also called: DYSENCEPHALIA SPLANCHNOCYSTICA; GRUBER SYNDROME; Dysencephalia splachnocystica. Identifiers: Orphanet 564, MedGen C0265215, MONDO:0018921.

Submission:

Labcorp Genetics (formerly Invitae), Labcorp
Classification: Pathogenic for Joubert syndrome; Meckel-Gruber syndrome. Last evaluated: 2022-12-19. Review status: criteria provided, single submitter. Criteria: Invitae Variant Classification Sherloc (09022015). Collection method: clinical testing. Allele origin: germline.
Comment: This variant has not been reported in the literature in individuals affected with CC2D2A-related conditions. For these reasons, this variant has been classified as Pathogenic. This variant is not present in population databases (gnomAD no frequency). This sequence change creates a premature translational stop signal (p.Tyr1418*) in the CC2D2A gene. It is expected to result in an absent or disrupted protein product. Loss-of-function variants in CC2D2A are known to be pathogenic (PMID: 19777577).

Literature cited by the submitters: PubMed 19777577.